The following is an entry in ClinVar:

ClinVar aggregate classification (germline): Uncertain significance (1 of 4 stars; one submission).

Submission:

GeneDx
Classification: Uncertain significance. Last evaluated: 2023-12-13. Review status: criteria provided, single submitter. Criteria: GeneDx Variant Classification Process June 2021. Collection method: clinical testing. Allele origin: germline. Affected: yes.
Comment: Not observed at significant frequency in large population cohorts (gnomAD); Missense variants in this gene are a common cause of disease and they are underrepresented in the general population; In silico analysis supports that this missense variant does not alter protein structure/function; Has not been previously published as pathogenic or benign to our knowledge; This substitution is predicted to be in the cytoplasmic loop between the first and second homologous domains

NM_001040142.2(SCN2A):c.1343A>G (p.Gln448Arg)

Gene: SCN2A (sodium voltage-gated channel alpha subunit 2; plus strand). Cytogenetic location: 2q24.3.
Variant type: single nucleotide variant.
Coding change: c.1343A>G on transcript NM_001040142.2 (MANE Select); coding-DNA position 1343, A replaced by G.
Protein change: p.Gln448Arg; replaces glutamine 448 with arginine.
Molecular consequence: missense variant.
Genome position (GRCh38, 1-based): chr2:165,314,068, A>G. VCF-style: chr2-165314068-A-G. GRCh37 (hg19) VCF-style: chr2-166170578-A-G.
Other names: c.1343A>G, p.Gln448Arg (NM_001040143.2, NM_001371246.1, NM_001371247.1 and 1 more transcripts); short protein forms Q448R.
Identifiers: ClinVar variation 3365702 (VCV003365702.1).